The following is an entry in ClinVar:

NM_006059.4(LAMC3):c.1699G>A (p.Gly567Arg)

Genes: LAMC3 (laminin subunit gamma 3; plus strand), LOC126860777 (BRD4-independent group 4 enhancer GRCh37_chr9:133927058-133928257; plus strand). Cytogenetic location: 9q34.12.
Variant type: single nucleotide variant.
Coding change: c.1699G>A on transcript NM_006059.4 (MANE Select); coding-DNA position 1699, G replaced by A.
Protein change: p.Gly567Arg; replaces glycine 567 with arginine.
Molecular consequence: missense variant.
Genome position (GRCh38, 1-based): chr9:131,052,559, G>A. VCF-style: chr9-131052559-G-A. GRCh37 (hg19) VCF-style: chr9-133927946-G-A.
Other names: c.1699G>A (NM_006059.3); short protein forms G567R.
Identifiers: ClinVar variation 2137485 (VCV002137485.11), dbSNP rs142796007, ClinGen allele CA5287177.
Genomic context (GRCh38, chr9:131,052,559, plus strand): 5'-CTGGGAGACCAGCGGTTCAGCTATGGGCAGCCCCTCATACTGACCTTCCGGGTGCCCCCC[G>A]GGGACTCCCCACTCCCTGTACAGCTGAGGCTGGAAGGGACAGGCTTGGCCCTGTCCCTGA-3'
Protein context (NP_006050.3, residues 557-577): PLILTFRVPP[Gly567Arg]DSPLPVQLRL

ClinVar aggregate classification (germline): Conflicting classifications of pathogenicity. Review status: criteria provided, conflicting classifications (1 of 4 stars). 4 submissions from 4 submitters: Uncertain significance (2); Likely benign (2). Last evaluated 2025-07-01.

Conditions:
Inborn genetic diseases. Identifiers: MedGen C0950123, MeSH D030342.

Allele frequency attached by ClinVar (database versions not stated): ExAC 0.00023; ESP Exome Variant Server 0.00023; gnomAD 0.00023.
gnomAD v4.1: 349 of 1,613,922 alleles (0.022%); highest among the groups gnomAD compares: South Asian, 0.037%; 1 homozygote.

Submissions (4):

CeGaT Center for Human Genetics Tuebingen
Classification: Likely benign. Last evaluated: 2025-07-01. Review status: criteria provided, single submitter. Criteria: CeGaT Center For Human Genetics Tuebingen Variant Classification Criteria Version 2. Collection method: clinical testing. Allele origin: germline. Affected: yes. Observed: 1 variant allele.
Comment: LAMC3: BP4, BS1

Women's Health and Genetics/Laboratory Corporation of America, LabCorp
Classification: Uncertain significance. Last evaluated: 2024-07-03. Review status: criteria provided, single submitter. Criteria: LabCorp Variant Classification Summary - May 2015. Collection method: clinical testing. Allele origin: germline.
Comment: Variant summary: LAMC3 c.1699G>A (p.Gly567Arg) results in a non-conservative amino acid change located in the Laminin IV domain (IPR000034) of the encoded protein sequence. Three of five in-silico tools predict a benign effect of the variant on protein function. The variant allele was found at a frequency of 0.00022 in 1613922 control chromosomes in the gnomAD database, including 1 homozygote. This frequency is not significantly higher than estimated for a pathogenic variant in LAMC3 causing Occipital Pachygyria And Polymicrogyria, allowing no conclusion about variant significance. c.1699G>A has been reported in the literature in an individual affected with adult onset multiple Acyl-CoA dehydrogenase deficiency (MADD) who harbored a putatively causative heterozygous variant in the ETFDH gene (example, Huang_2020). These report(s) do not provide unequivocal conclusions about association of the variant with LAMC3 associated autosomal recessive Occipital Pachygyria And Polymicrogyria or ETFDH associated autosomal recessive Glutaric acidemia IIC. To our knowledge, no experimental evidence demonstrating an impact on protein function has been reported. The following publication has been ascertained in the context of this evaluation (PMID: 32608139). ClinVar contains an entry for this variant (Variation ID: 2137485). Based on the evidence outlined above, the variant was classified as uncertain significance.

Ambry Genetics
Classification: Likely benign for Inborn genetic diseases. Last evaluated: 2023-11-17. Review status: criteria provided, single submitter. Criteria: Ambry Variant Classification Scheme 2023. Collection method: clinical testing. Allele origin: germline.

Labcorp Genetics (formerly Invitae), Labcorp
Classification: Uncertain significance. Last evaluated: 2022-10-24. Review status: criteria provided, single submitter. Criteria: Invitae Variant Classification Sherloc (09022015). Collection method: clinical testing. Allele origin: germline.
Comment: This sequence change replaces glycine, which is neutral and non-polar, with arginine, which is basic and polar, at codon 567 of the LAMC3 protein (p.Gly567Arg). This variant is present in population databases (rs142796007, gnomAD 0.05%). This variant has not been reported in the literature in individuals affected with LAMC3-related conditions. Algorithms developed to predict the effect of missense changes on protein structure and function output the following: SIFT: "Tolerated"; PolyPhen-2: "Benign"; Align-GVGD: "Class C0". The arginine amino acid residue is found in multiple mammalian species, which suggests that this missense change does not adversely affect protein function. In summary, the available evidence is currently insufficient to determine the role of this variant in disease. Therefore, it has been classified as a Variant of Uncertain Significance.

Literature cited by the submitters: PubMed 32608139 (cited by Women's Health and Genetics/Laboratory Corporation of America, LabCorp).